The following is an entry in ClinVar:

ClinVar aggregate classification (germline): Likely pathogenic (1 of 4 stars; one submission).

Conditions:
Bifunctional peroxisomal enzyme deficiency (DBIF). Also called: DBP DEFICIENCY; D-bifunctional protein deficiency; PBFE DEFICIENCY. Identifiers: Orphanet 300, MedGen C0342870, MONDO:0009855, OMIM 261515. Disease mechanism: loss of function.

Submission:

Myriad Genetics, Inc.
Classification: Likely pathogenic for Bifunctional peroxisomal enzyme deficiency. Last evaluated: 2026-08-11. Review status: criteria provided, single submitter. Criteria: Myriad Autosomal Dominant, Autosomal Recessive and X-Linked Classification Criteria (2023). Collection method: clinical testing. Allele origin: unknown.
Comment: NM_000414.3(HSD17B4):c.350-1G>C is a variant in a canonical splice site classified as likely pathogenic in the context of HSD17B4-related disorders. c.350-1G>C has not been observed in cases with relevant disease. Relevant functional assessments of this variant are not available in the literature. c.350-1G>C has not been observed in referenced population frequency databases. In summary, NM_000414.3(HSD17B4):c.350-1G>C is a variant in a canonical splice site in a gene where loss of function is a known mechanism of disease and is predicted to disrupt protein function. Please note: this variant was assessed in the context of healthy population screening.

NM_000414.4(HSD17B4):c.350-1G>C

Gene: HSD17B4 (hydroxysteroid 17-beta dehydrogenase 4; plus strand). Cytogenetic location: 5q23.1.
Variant type: single nucleotide variant.
Coding change: c.350-1G>C on transcript NM_000414.4 (MANE Select); the canonical splice acceptor site of the intron before coding-DNA position 350, G replaced by C.
Molecular consequence: splice acceptor variant.
Genome position (GRCh38, 1-based): chr5:119,477,416, G>C. VCF-style: chr5-119477416-G-C. GRCh37 (hg19) VCF-style: chr5-118813111-G-C.
Other names: c.-62-1G>C (NM_001374503.1, NM_001374502.1, NM_001374501.1 and 1 more transcripts); c.425-1G>C (NM_001199291.3); c.23-1G>C (NM_001374499.1); c.-189-1G>C (NM_001374500.1); c.278-1G>C (NM_001292027.2); c.350-1G>C (NM_001374498.1, NM_001374497.1); c.296-1G>C (NM_001199292.2).
Identifiers: ClinVar variation 5004840 (VCV005004840.1).